The following is an entry in ClinVar:

ClinVar aggregate classification (germline): Benign/Likely benign. Review status: criteria provided, single submitter (1 of 4 stars). 2 submissions from 1 submitter: Benign (1); Likely benign (1). Last evaluated 2018-01-12.

Conditions:
Mitochondrial complex IV deficiency, nuclear type 1 (MC4DN1). Also called: COX DEFICIENCY; Mitochondrial complex IV deficiency; Complex 4 mitochondrial respiratory chain deficiency; Deficiency of mitochondrial respiratory chain complex4; Complex IV deficiency. Identifiers: MedGen C5435656, MONDO:0700250, OMIM 220110. Disease mechanism: loss of function.
Leigh syndrome (NULS). Also called: Leigh Disease; Subacute necrotizing encephalopathy; Necrotizing encephalopathy infantile subacute of Leigh; Leigh's necrotizing encephalopathy; Leigh's disease; Leigh's syndrome. Identifiers: Orphanet 506, MedGen C2931891, MONDO:0009723, OMIM 256000.

Allele frequency attached by ClinVar (database versions not stated): gnomAD 0.00341 and 0.00458; TOPMed 0.00615; 1000 Genomes Project 30x 0.01843; 1000 Genomes Project 0.02037.

Submissions (2):

Illumina Laboratory Services, Illumina
Classification: Benign for Leigh syndrome. Last evaluated: 2018-01-12. Review status: criteria provided, single submitter. Criteria: ICSL Variant Classification Criteria 13 December 2019. Collection method: clinical testing. Allele origin: germline.
Comment: This variant was observed in the ICSL laboratory as part of a predisposition screen in an ostensibly healthy population. It had not been previously curated by ICSL or reported in the Human Gene Mutation Database (HGMD: prior to June 1st, 2018), and was therefore a candidate for classification through an automated scoring system. Utilizing variant allele frequency, disease prevalence and penetrance estimates, and inheritance mode, an automated score was calculated to assess if this variant is too frequent to cause the disease. Based on the score and internal cut-off values, a variant classified as benign is not then subjected to further curation. The score for this variant resulted in a classification of benign for this disease.

Illumina Laboratory Services, Illumina
Classification: Likely benign for Mitochondrial complex IV deficiency, nuclear type 1. Last evaluated: 2018-01-12. Review status: criteria provided, single submitter. Criteria: ICSL Variant Classification Criteria 13 December 2019. Collection method: clinical testing. Allele origin: germline.
Comment: This variant was observed in the ICSL laboratory as part of a predisposition screen in an ostensibly healthy population. It had not been previously curated by ICSL or reported in the Human Gene Mutation Database (HGMD: prior to June 1st, 2018), and was therefore a candidate for classification through an automated scoring system. Utilizing variant allele frequency, disease prevalence and penetrance estimates, and inheritance mode, an automated score was calculated to assess if this variant is too frequent to cause the disease. Based on the score and internal cut-off values, a variant classified as likely benign is not then subjected to further curation. The score for this variant resulted in a classification of likely benign for this disease.

NM_001303.4(COX10):c.*1324C>T

Gene: COX10 (cytochrome c oxidase assembly factor heme A:farnesyltransferase COX10; plus strand). Cytogenetic location: 17p12.
Variant type: single nucleotide variant.
Coding change: c.*1324C>T on transcript NM_001303.4 (MANE Select); 1324 bases downstream of the stop codon, C replaced by T.
Molecular consequence: 3 prime UTR variant.
Genome position (GRCh38, 1-based): chr17:14,208,537, C>T. VCF-style: chr17-14208537-C-T. GRCh37 (hg19) VCF-style: chr17-14111854-C-T.
Identifiers: ClinVar variation 321841 (VCV000321841.5), dbSNP rs75636595, ClinGen allele CA10649516.